The following is an entry in ClinVar:

ClinVar aggregate classification (germline): Uncertain significance (1 of 4 stars; one submission).

Conditions:
Recessive dystrophic epidermolysis bullosa (RDEB). Also called: DYSTROPHIC EPIDERMOLYSIS BULLOSA, AUTOSOMAL RECESSIVE; EPIDERMOLYSIS BULLOSA DYSTROPHICA, HALLOPEAU-SIEMENS TYPE; EPIDERMOLYSIS BULLOSA DYSTROPHICA, GENERALIZED SEVERE, AUTOSOMAL RECESSIVE; Hallopeau-Siemens Disease; Epidermolysis Bullosa Distrophica Autosomal Recessive (RDEB); epidermolysis bullosa dystrophica, autosomal recessive. Identifiers: Orphanet 79408, Orphanet 79409, MedGen C0079474, MONDO:0009179, OMIM 226600.

Allele frequency attached by ClinVar (database versions not stated): gnomAD exomes below 0.00001.
gnomAD v4.1: 2 of 1,613,930 alleles (0.00012%); highest among the groups gnomAD compares: South Asian, 0.0022%; no homozygotes.

Submission:

Neuberg Centre For Genomic Medicine, NCGM
Classification: Uncertain significance for Recessive dystrophic epidermolysis bullosa. Review status: criteria provided, single submitter. Criteria: ACMG Guidelines, 2015. Collection method: clinical testing. Allele origin: germline. Affected: yes.
Comment: The splice region variant c.976+4A>T in COL7A1 (NM_000094.4) has not been reported previously as a pathogenic variant nor as a benign variant, to our knowledge. The c.976+4A>T variant is novel (not in any individuals) in gnomAD Exomes and is novel (not in any individuals) in 1000 Genomes. The c.976+4A>T variant is predicted to disrupt splicing by all splice site algorithms. The nucleotide c.976+4A>T in COL7A1 is predicted conserved by GERP++ and PhyloP across 100 vertebrates. Since the variant does not affect an invariant splice nucleotide, functional studies will be required. For these reasons, this variant has been classified as Uncertain Significance

NM_000094.4(COL7A1):c.976+4A>T

Gene: COL7A1 (collagen type VII alpha 1 chain; minus strand). Cytogenetic location: 3p21.31.
Variant type: single nucleotide variant.
Coding change: c.976+4A>T on transcript NM_000094.4 (MANE Select); 4 bases into the intron after coding-DNA position 976, A replaced by T.
Molecular consequence: intron variant.
Genome position (GRCh38, 1-based): chr3:48,592,566, T>A on the plus strand (A>T on the coding strand, the complement: COL7A1 is on the minus strand). VCF-style: chr3-48592566-T-A. GRCh37 (hg19) VCF-style: chr3-48629999-T-A.
Identifiers: ClinVar variation 1339052 (VCV001339052.2), dbSNP rs2107794243, ClinGen allele CA2573052194.
Genomic context (GRCh38, chr3:48,592,566, plus strand): 5'-GTGGGAGGGGGTACTGGGGTCGGGGGTTAGGTGAATGGGGTCAGAGGCTGGCAGAATTGC[T>A]CACTGGTCCGAGCTGTCCCGCTCACAGCCTCCCCGATGCTGTTGGCGTAGAGGGCAATCA-3'